The following is an entry in ClinVar:

ClinVar aggregate classification (germline): Uncertain significance (1 of 4 stars; one submission).

Conditions:
Ectodermal dysplasia and immunodeficiency 2. Identifiers: Orphanet 238468, Orphanet 98813, MedGen C2677481, MONDO:0012806, OMIM 612132.

Submission:

Labcorp Genetics (formerly Invitae), Labcorp
Classification: Uncertain significance for Ectodermal dysplasia and immunodeficiency 2. Last evaluated: 2024-10-07. Review status: criteria provided, single submitter. Criteria: Invitae Variant Classification Sherloc (09022015). Collection method: clinical testing. Allele origin: germline.
Comment: This sequence change replaces threonine, which is neutral and polar, with isoleucine, which is neutral and non-polar, at codon 219 of the NFKBIA protein (p.Thr219Ile). This variant is not present in population databases (gnomAD no frequency). This variant has not been reported in the literature in individuals affected with NFKBIA-related conditions. An algorithm developed to predict the effect of missense changes on protein structure and function (PolyPhen-2) suggests that this variant is likely to be disruptive. In summary, the available evidence is currently insufficient to determine the role of this variant in disease. Therefore, it has been classified as a Variant of Uncertain Significance.

NM_020529.3(NFKBIA):c.656C>T (p.Thr219Ile)

Gene: NFKBIA (NFKB inhibitor alpha; minus strand). Cytogenetic location: 14q13.2.
Variant type: single nucleotide variant.
Coding change: c.656C>T on transcript NM_020529.3 (MANE Select); coding-DNA position 656, C replaced by T.
Protein change: p.Thr219Ile; replaces threonine 219 with isoleucine.
Molecular consequence: missense variant.
Genome position (GRCh38, 1-based): chr14:35,402,644, G>A on the plus strand (C>T on the coding strand, the complement: NFKBIA is on the minus strand). VCF-style: chr14-35402644-G-A. GRCh37 (hg19) VCF-style: chr14-35871850-G-A.
Other names: short protein forms T219I.
Identifiers: ClinVar variation 3722089 (VCV003722089.2).